The following is an entry in ClinVar:

NM_000194.3(HPRT1):c.486-2A>G

Gene: HPRT1 (hypoxanthine phosphoribosyltransferase 1; plus strand). Cytogenetic location: Xq26.2.
Variant type: single nucleotide variant.
Coding change: c.486-2A>G on transcript NM_000194.3 (MANE Select); the canonical splice acceptor site of the intron before coding-DNA position 486, A replaced by G.
Molecular consequence: splice acceptor variant.
Genome position (GRCh38, 1-based): chrX:134,498,388, A>G. VCF-style: chrX-134498388-A-G. GRCh37 (hg19) VCF-style: chrX-133632418-A-G.
Identifiers: ClinVar variation 857727 (VCV000857727.10), dbSNP rs2077687102, ClinGen allele CA414715454.

ClinVar aggregate classification (germline): Pathogenic (1 of 4 stars; one submission).

Conditions:
Partial hypoxanthine-guanine phosphoribosyltransferase deficiency. Also called: HPRT DEFICIENCY, PARTIAL; HYPOXANTHINE GUANINE PHOSPHORIBOSYLTRANSFERASE 1 DEFICIENCY, PARTIAL; Kelley-Seegmiller Syndrome; HPRT1 DEFICIENCY, PARTIAL; GOUT, HPRT-RELATED. Identifiers: Orphanet 79233, MedGen C0268117, MONDO:0010299, OMIM 300323.
Lesch-Nyhan syndrome (LNS). Also called: Lesch-Nyhan Disease (LND); HPRT DEFICIENCY, COMPLETE. Identifiers: Orphanet 510, MedGen C0023374, MONDO:0010298, OMIM 300322.

Submission:

Labcorp Genetics (formerly Invitae), Labcorp
Classification: Pathogenic for Lesch-Nyhan syndrome; Partial hypoxanthine-guanine phosphoribosyltransferase deficiency. Last evaluated: 2022-11-15. Review status: criteria provided, single submitter. Criteria: Invitae Variant Classification Sherloc (09022015). Collection method: clinical testing. Allele origin: germline.
Comment: This sequence change affects an acceptor splice site in intron 6 of the HPRT1 gene. It is expected to disrupt RNA splicing. Variants that disrupt the donor or acceptor splice site typically lead to a loss of protein function (PMID: 16199547), and loss-of-function variants in HPRT1 are known to be pathogenic (PMID: 15571220, 17027311, 22157001). This variant is not present in population databases (gnomAD no frequency). Disruption of this splice site has been observed in individuals with Lesch-Nyhan syndrome (PMID: 15505382, 23975452; Invitae). ClinVar contains an entry for this variant (Variation ID: 857727). Algorithms developed to predict the effect of sequence changes on RNA splicing suggest that this variant may disrupt the consensus splice site. For these reasons, this variant has been classified as Pathogenic.

Literature cited by the submitters: PubMed 16199547; PubMed 15571220; PubMed 17027311; PubMed 22157001; PubMed 15505382; PubMed 23975452.